The following is an entry in ClinVar:

ClinVar aggregate classification (germline): Likely benign (1 of 4 stars; one submission).

Submission:

CeGaT Center for Human Genetics Tuebingen
Classification: Likely benign. Last evaluated: 2026-02-01. Review status: criteria provided, single submitter. Criteria: CeGaT Center For Human Genetics Tuebingen Variant Classification Criteria Version 2. Collection method: clinical testing. Allele origin: germline. Affected: yes. Observed: 1 variant allele.
Comment: APC2: PM2:Supporting, BP4, BP7

NM_005883.3(APC2):c.6393G>A (p.Gly2131=)

Gene: APC2 (APC regulator of Wnt signaling pathway 2; plus strand). Cytogenetic location: 19p13.3.
Variant type: single nucleotide variant.
Coding change: c.6393G>A on transcript NM_005883.3 (MANE Select); coding-DNA position 6393, G replaced by A.
Protein change: p.Gly2131=; no amino-acid change (glycine 2131 retained).
Molecular consequence: synonymous variant.
Genome position (GRCh38, 1-based): chr19:1,469,694, G>A. VCF-style: chr19-1469694-G-A. GRCh37 (hg19) VCF-style: chr19-1469693-G-A.
Other names: c.6390G>A, p.Gly2130= (NM_001351273.1).
Identifiers: ClinVar variation 4822145 (VCV004822145.4).